The following is an entry in ClinVar:

ClinVar aggregate classification (germline): Uncertain significance. Review status: criteria provided, multiple submitters, no conflicts (2 of 4 stars). 2 submissions from 2 submitters: Uncertain significance (2). Last evaluated 2022-08-04.

Conditions:
Congenital myasthenic syndrome 9. Also called: Myasthenic syndrome, congenital, 9, associated with acetylcholine receptor deficiency. Identifiers: Orphanet 590, MedGen C4225368, MONDO:0014587, OMIM 616325.
Fetal akinesia deformation sequence 1 (FADS1). Also called: Pena-Shokeir syndrome type I; Fetal akinesia sequence. Identifiers: Orphanet 994, MedGen C1276035, MONDO:0100101, OMIM 208150, HP:0001989.

Allele frequency attached by ClinVar (database versions not stated): gnomAD exomes 0.00001; TOPMed 0.00001.

Submissions (2):

Labcorp Genetics (formerly Invitae), Labcorp
Classification: Uncertain significance for Congenital myasthenic syndrome 9; Fetal akinesia deformation sequence 1. Last evaluated: 2022-08-04. Review status: criteria provided, single submitter. Criteria: Invitae Variant Classification Sherloc (09022015). Collection method: clinical testing. Allele origin: germline.
Comment: This variant, c.1503_1504insACC, results in the insertion of 1 amino acid(s) of the MUSK protein (p.Met501_Ser502insThr), but otherwise preserves the integrity of the reading frame. This variant is not present in population databases (gnomAD no frequency). This variant has not been reported in the literature in individuals affected with MUSK-related conditions. ClinVar contains an entry for this variant (Variation ID: 287762). In summary, the available evidence is currently insufficient to determine the role of this variant in disease. Therefore, it has been classified as a Variant of Uncertain Significance.

Eurofins Ntd Llc (ga)
Classification: Uncertain significance. Last evaluated: 2016-06-08. Review status: criteria provided, single submitter. Criteria: EGL Classification Definitions 2015. Collection method: clinical testing. Allele origin: germline. Observed: 1 variant allele, 1 heterozygote.

NM_005592.4(MUSK):c.1503_1504insACC (p.Met501_Ser502insThr)

Gene: MUSK (muscle associated receptor tyrosine kinase; plus strand). Cytogenetic location: 9q31.3.
Variant type: Insertion.
Coding change: c.1503_1504insACC on transcript NM_005592.4 (MANE Select); coding-DNA positions 1503 to 1504, ACC inserted.
Protein change: p.Met501_Ser502insThr.
Molecular consequence: inframe insertion.
Genome position: GRCh38 VCF-style: chr9-110784933-G-GACC. GRCh37 (hg19) VCF-style: chr9-113547213-G-GACC.
Other names: c.1245_1246insACC, p.Met415_Ser416insThr (NM_001166280.2); c.1215_1216insACC, p.Met405_Ser406insThr (NM_001166281.2); c.243_244insACC, p.Met81_Ser82insThr (NM_001369398.1).
Identifiers: ClinVar variation 287762 (VCV000287762.6), dbSNP rs886043719, ClinGen allele CA10605860.